The following is an entry in ClinVar:

NM_004304.5(ALK):c.3869T>C (p.Met1290Thr)

Gene: ALK (ALK receptor tyrosine kinase; minus strand). Cytogenetic location: 2p23.2.
Variant type: single nucleotide variant.
Coding change: c.3869T>C on transcript NM_004304.5 (MANE Select); coding-DNA position 3869, T replaced by C.
Protein change: p.Met1290Thr; replaces methionine 1290 with threonine.
Molecular consequence: missense variant.
Genome position (GRCh38, 1-based): chr2:29,207,240, A>G on the plus strand (T>C on the coding strand, the complement: ALK is on the minus strand). VCF-style: chr2-29207240-A-G. GRCh37 (hg19) VCF-style: chr2-29430106-A-G.
Other names: c.665T>C, p.Met222Thr (NM_001353765.2); short protein forms M222T, M1290T.
Identifiers: ClinVar variation 1735661 (VCV001735661.7), dbSNP rs1669334895, ClinGen allele CA346468916.

ClinVar aggregate classification (germline): Uncertain significance. Review status: criteria provided, multiple submitters, no conflicts (2 of 4 stars). 2 submissions from 2 submitters: Uncertain significance (2). Last evaluated 2025-11-18.

Conditions:
Neuroblastoma, susceptibility to, 3. Also called: ALK-Related Neuroblastic Tumor Susceptibility. Identifiers: Orphanet 635, MedGen C2751681, MONDO:0013083, OMIM 613014.
Hereditary cancer-predisposing syndrome. Also called: Neoplastic Syndromes, Hereditary; Tumor predisposition; Hereditary Cancer Syndrome; Hereditary neoplastic syndrome. Identifiers: Orphanet 140162, MedGen C0027672, MeSH D009386, MONDO:0015356.

Submissions (2):

Labcorp Genetics (formerly Invitae), Labcorp
Classification: Uncertain significance for Neuroblastoma, susceptibility to, 3. Last evaluated: 2025-11-18. Review status: criteria provided, single submitter. Criteria: Invitae Variant Classification Sherloc (09022015). Collection method: clinical testing. Allele origin: germline.
Comment: This sequence change replaces methionine, which is neutral and non-polar, with threonine, which is neutral and polar, at codon 1290 of the ALK protein (p.Met1290Thr). This variant is not present in population databases (gnomAD no frequency). This variant has not been reported in the literature in individuals affected with ALK-related conditions. ClinVar contains an entry for this variant (Variation ID: 1735661). An algorithm developed to predict the effect of missense changes on protein structure and function (PolyPhen-2) suggests that this variant is likely to be disruptive. In summary, the available evidence is currently insufficient to determine the role of this variant in disease. Therefore, it has been classified as a Variant of Uncertain Significance.

Ambry Genetics
Classification: Uncertain significance for Hereditary cancer-predisposing syndrome. Last evaluated: 2023-11-16. Review status: criteria provided, single submitter. Criteria: Ambry Variant Classification Scheme 2023. Collection method: clinical testing. Allele origin: germline.
Comment: The p.M1290T variant (also known as c.3869T>C), located in coding exon 26 of the ALK gene, results from a T to C substitution at nucleotide position 3869. The methionine at codon 1290 is replaced by threonine, an amino acid with similar properties. This amino acid position is highly conserved in available vertebrate species. In addition, the in silico prediction for this alteration is inconclusive. Since supporting evidence is limited at this time, the clinical significance of this alteration remains unclear.